The following is an entry in ClinVar:

NM_022082.4(SLC17A9):c.186C>T (p.Ala62=)

Gene: SLC17A9 (solute carrier family 17 member 9; plus strand). Cytogenetic location: 20q13.33.
Variant type: single nucleotide variant.
Coding change: c.186C>T on transcript NM_022082.4 (MANE Select); coding-DNA position 186, C replaced by T.
Protein change: p.Ala62=; no amino-acid change (alanine 62 retained).
Molecular consequence: synonymous variant.
Genome position (GRCh38, 1-based): chr20:62,956,891, C>T. VCF-style: chr20-62956891-C-T. GRCh37 (hg19) VCF-style: chr20-61588243-C-T.
Other names: c.168C>T, p.Ala56= (NM_001302643.2).
Identifiers: ClinVar variation 797534 (VCV000797534.5), dbSNP rs367611972, ClinGen allele CA9952786.

ClinVar aggregate classification (germline): Likely benign. Review status: criteria provided, single submitter (1 of 4 stars). 2 submissions from 2 submitters: Likely benign (1). 1 of the submissions does not count toward it. Last evaluated 2019-01-03.

Conditions:
SLC17A9-related disorder. Also called: SLC17A9-related condition.

Allele frequency attached by ClinVar (database versions not stated): TOPMed 0.00003; ExAC 0.00004; gnomAD exomes 0.00004; gnomAD 0.00005 and 0.00006; ESP Exome Variant Server 0.00008.
gnomAD v4.1: 64 of 1,613,502 alleles (0.004%); highest among the groups gnomAD compares: Admixed American, 0.0067%; no homozygotes.

Submissions (2):

Labcorp Genetics (formerly Invitae), Labcorp
Classification: Likely benign. Last evaluated: 2019-01-03. Review status: criteria provided, single submitter. Criteria: Invitae Variant Classification Sherloc (09022015). Collection method: clinical testing. Allele origin: germline.

PreventionGenetics, part of Exact Sciences
Classification: Likely benign for SLC17A9-related condition. Last evaluated: 2019-12-04. Review status: no assertion criteria provided. Collection method: clinical testing. Allele origin: germline. Not counted in ClinVar's aggregate classification.
Comment: This variant is classified as likely benign based on ACMG/AMP sequence variant interpretation guidelines (Richards et al. 2015 PMID: 25741868, with internal and published modifications).